The following is an entry in ClinVar:

ClinVar aggregate classification (germline): Likely pathogenic. Review status: criteria provided, multiple submitters, no conflicts (2 of 4 stars). 5 submissions from 5 submitters: Likely pathogenic (4). 1 of the submissions does not count toward it. Last evaluated 2025-08-18.

Conditions:
Polycystic kidney disease 4 (PKD4). Also called: POLYCYSTIC KIDNEY AND HEPATIC DISEASE 1; POLYCYSTIC KIDNEY DISEASE, INFANTILE, TYPE I; POLYCYSTIC KIDNEY DISEASE 4 WITH OR WITHOUT POLYCYSTIC LIVER DISEASE; Autosomal Recessive Polycystic Kidney Disease – PKHD1; PKD3. Identifiers: MedGen C4540575, MONDO:0033004, OMIM 263200.
Autosomal recessive polycystic kidney disease (ARPKD). Also called: AR polycystic kidney disease. Identifiers: Orphanet 731, Orphanet 8378, MedGen C0085548, MeSH D017044, MONDO:0009889.
PKHD1-related disorder. Also called: PKHD1-related condition.

Allele frequency attached by ClinVar (database versions not stated): gnomAD exomes 0.00001 and 0.00002.

Submissions (5):

Clinical Genetics Laboratory, Skane University Hospital Lund
Classification: Likely pathogenic for Autosomal recessive polycystic kidney disease. Last evaluated: 2025-08-18. Review status: criteria provided, single submitter. Criteria: ACMG Guidelines, 2015. Collection method: clinical testing. Allele origin: germline. Affected: yes.
Comment: PVS1, PM2

Natera, Inc.
Classification: Likely pathogenic for Autosomal recessive polycystic kidney disease. Last evaluated: 2025-03-31. Review status: criteria provided, single submitter. Criteria: Natera Variant Classification Schema (03/2026). Collection method: clinical testing. Allele origin: germline.
Comment: The c.3229-2delA variant in PKHD1 is a canonical splice acceptor site variant predicted to affect pre-mRNA splicing, which may result in an abnormal transcript and altered protein product. This variant is expected to result in nonsense mediated decay, truncation, or a dysfunctional protein product. This variant is rare in the general population with a frequency below the threshold expected for the associated phenotype(s). Given the available evidence, this variant is classified as Likely Pathogenic.

Labcorp Genetics (formerly Invitae), Labcorp
Classification: Likely pathogenic for Autosomal recessive polycystic kidney disease. Last evaluated: 2023-09-24. Review status: criteria provided, single submitter. Criteria: Invitae Variant Classification Sherloc (09022015). Collection method: clinical testing. Allele origin: germline.
Comment: This sequence change affects a splice site in intron 28 of the PKHD1 gene. It is expected to disrupt RNA splicing. Variants that disrupt the donor or acceptor splice site typically lead to a loss of protein function (PMID: 16199547), and loss-of-function variants in PKHD1 are known to be pathogenic (PMID: 19940839). In summary, the currently available evidence indicates that the variant is pathogenic, but additional data are needed to prove that conclusively. Therefore, this variant has been classified as Likely Pathogenic. Algorithms developed to predict the effect of sequence changes on RNA splicing suggest that this variant may disrupt the consensus splice site. ClinVar contains an entry for this variant (Variation ID: 370166). This variant has not been reported in the literature in individuals affected with PKHD1-related conditions. This variant is present in population databases (no rsID available, gnomAD 0.002%).

Blueprint Genetics
Classification: Likely pathogenic for PKHD1-related disorders. Last evaluated: 2022-08-05. Review status: criteria provided, single submitter. Criteria: ACMG Guidelines, 2015. Collection method: clinical testing. Allele origin: germline. Affected: yes. Observed: 3 variant alleles.

Counsyl
Classification: Likely pathogenic for Polycystic kidney disease 4. Last evaluated: 2015-12-11. Review status: no assertion criteria provided. Collection method: clinical testing. Allele origin: unknown. Not counted in ClinVar's aggregate classification.

Literature cited by the submitters: PubMed 16199547 (cited by Labcorp Genetics (formerly Invitae), Labcorp); PubMed 19940839 (cited by Labcorp Genetics (formerly Invitae), Labcorp).

NM_138694.4(PKHD1):c.3229-2del

Gene: PKHD1 (PKHD1 ciliary IPT domain containing fibrocystin/polyductin; minus strand). Cytogenetic location: 6p12.2.
Variant type: Deletion.
Coding change: c.3229-2del on transcript NM_138694.4 (MANE Select); the canonical splice acceptor site of the intron before coding-DNA position 3229, one base deleted (A; older notation c.3229-2delA).
Molecular consequence: splice acceptor variant.
Genome position (GRCh38, 1-based): chr6:52,033,167, T deleted on the plus strand (A on the coding strand, the reverse complement: PKHD1 is on the minus strand). VCF-style (leftmost placement, unchanged base first): chr6-52033166-CT-C. GRCh37 (hg19) VCF-style: chr6-51897964-CT-C.
Other names: c.3229-2del (NM_170724.3).
Identifiers: ClinVar variation 370166 (VCV000370166.12), dbSNP rs1057516283, ClinGen allele CA16041063.